The following is an entry in ClinVar:

ClinVar aggregate classification (germline): Uncertain significance. Review status: criteria provided, multiple submitters, no conflicts (2 of 4 stars). 4 submissions from 4 submitters: Uncertain significance (4). Last evaluated 2025-08-02.

Conditions:
Tumor predisposition syndrome 3 (TPDS3). Also called: Melanoma, cutaneous malignant, susceptibility to, 10; Glioma susceptibility 9; LONG TELOMERE SYNDROME, POT1-RELATED; POT1 Tumor Predisposition. Identifiers: Orphanet 618, MedGen C4014476, MONDO:0014368, OMIM 615848.
Hereditary cancer-predisposing syndrome. Also called: Neoplastic Syndromes, Hereditary; Hereditary Cancer Syndrome; Hereditary neoplastic syndrome; Tumor predisposition. Identifiers: Orphanet 140162, MedGen C0027672, MeSH D009386, MONDO:0015356.

Submissions (4):

Ambry Genetics
Classification: Uncertain significance for Hereditary cancer-predisposing syndrome. Last evaluated: 2025-08-02. Review status: criteria provided, single submitter. Criteria: Ambry Variant Classification Scheme 2023. Collection method: clinical testing. Allele origin: germline.

Labcorp Genetics (formerly Invitae), Labcorp
Classification: Uncertain significance for Tumor predisposition syndrome 3. Last evaluated: 2025-03-24. Review status: criteria provided, single submitter. Criteria: Invitae Variant Classification Sherloc (09022015). Collection method: clinical testing. Allele origin: germline.
Comment: This sequence change replaces cysteine, which is neutral and slightly polar, with tyrosine, which is neutral and polar, at codon 59 of the POT1 protein (p.Cys59Tyr). This variant is not present in population databases (gnomAD no frequency). This variant has not been reported in the literature in individuals affected with POT1-related conditions. ClinVar contains an entry for this variant (Variation ID: 1047766). Invitae Evidence Modeling of protein sequence and biophysical properties (such as structural, functional, and spatial information, amino acid conservation, physicochemical variation, residue mobility, and thermodynamic stability) indicates that this missense variant is not expected to disrupt POT1 protein function with a negative predictive value of 80%. In summary, the available evidence is currently insufficient to determine the role of this variant in disease. Therefore, it has been classified as a Variant of Uncertain Significance.

Quest Diagnostics Nichols Institute San Juan Capistrano
Classification: Uncertain significance. Last evaluated: 2023-10-13. Review status: criteria provided, single submitter. Criteria: Quest Diagnostics criteria. Collection method: clinical testing. Allele origin: unknown.

GeneDx
Classification: Uncertain significance. Last evaluated: 2022-10-28. Review status: criteria provided, single submitter. Criteria: GeneDx Variant Classification Process June 2021. Collection method: clinical testing. Allele origin: germline. Affected: yes.
Comment: Not observed at significant frequency in large population cohorts (gnomAD); In silico analysis supports that this missense variant has a deleterious effect on protein structure/function; Has not been previously published as pathogenic or benign to our knowledge; This variant is associated with the following publications: (PMID: 28393830)

Literature cited by the submitters: PubMed 36539277 (cited by Quest Diagnostics Nichols Institute San Juan Capistrano).

NM_015450.3(POT1):c.176G>A (p.Cys59Tyr)

Gene: POT1 (protection of telomeres 1; minus strand). Cytogenetic location: 7q31.33.
Variant type: single nucleotide variant.
Coding change: c.176G>A on transcript NM_015450.3 (MANE Select); coding-DNA position 176, G replaced by A.
Protein change: p.Cys59Tyr; replaces cysteine 59 with tyrosine.
Molecular consequence: missense variant. On other transcripts: non-coding transcript variant (3), intron variant (1).
Genome position (GRCh38, 1-based): chr7:124,870,990, C>T on the plus strand (G>A on the coding strand, the complement: POT1 is on the minus strand). VCF-style: chr7-124870990-C-T. GRCh37 (hg19) VCF-style: chr7-124511044-C-T.
Other names: c.-138-7350G>A (NM_001042594.2); short protein forms C59Y.
Identifiers: ClinVar variation 1047766 (VCV001047766.14), dbSNP rs763187597, ClinGen allele CA369061559.